The following is an entry in ClinVar:

ClinVar aggregate classification (germline): Uncertain significance (1 of 4 stars; one submission).

Conditions:
Candidiasis, familial, 8 (CANDF8). Identifiers: Orphanet 1334, MedGen C3714992, MONDO:0014230, OMIM 615527.

Allele frequency attached by ClinVar (database versions not stated): gnomAD exomes below 0.00001.
gnomAD v4.1: 3 of 1,614,256 alleles (0.00019%); highest among the groups gnomAD compares: Non-Finnish European, 0.000085%; no homozygotes.

Submission:

Labcorp Genetics (formerly Invitae), Labcorp
Classification: Uncertain significance for Candidiasis, familial, 8. Last evaluated: 2018-05-30. Review status: criteria provided, single submitter. Criteria: Invitae Variant Classification Sherloc (09022015). Collection method: clinical testing. Allele origin: germline.
Comment: This sequence change replaces serine with asparagine at codon 174 of the TRAF3IP2 protein (p.Ser174Asn). The serine residue is weakly conserved and there is a small physicochemical difference between serine and asparagine. This variant is not present in population databases (ExAC no frequency). This variant has not been reported in the literature in individuals with TRAF3IP2-related disease. Algorithms developed to predict the effect of missense changes on protein structure and function output the following: SIFT: "Tolerated"; PolyPhen-2: "Benign"; Align-GVGD: "Class C0". The asparagine amino acid residue is found in multiple mammalian species, suggesting that this missense change does not adversely affect protein function. These predictions have not been confirmed by published functional studies and their clinical significance is uncertain. Algorithms developed to predict the effect of sequence changes on RNA splicing suggest that this variant may create or strengthen a splice site, but this prediction has not been confirmed by published transcriptional studies. In summary, the available evidence is currently insufficient to determine the role of this variant in disease. Therefore, it has been classified as a Variant of Uncertain Significance.

NM_147686.4(TRAF3IP2):c.521G>A (p.Ser174Asn)

Genes: TRAF3IP2 (TRAF3 interacting protein 2; minus strand), TRAF3IP2-AS1 (TRAF3IP2 antisense RNA 1; plus strand), LOC114803478 (TRAF3IP2 eExon liver enhancer; plus strand). Cytogenetic location: 6q21.
Variant type: single nucleotide variant.
Coding change: c.521G>A on transcript NM_147686.4 (MANE Select); coding-DNA position 521, G replaced by A.
Protein change: p.Ser174Asn; replaces serine 174 with asparagine.
Molecular consequence: missense variant.
Genome position (GRCh38, 1-based): chr6:111,591,566, C>T on the plus strand (G>A on the coding strand, the complement: TRAF3IP2 is on the minus strand). VCF-style: chr6-111591566-C-T. GRCh37 (hg19) VCF-style: chr6-111912769-C-T.
Other names: c.521G>A, p.Ser174Asn (NM_001164281.3); c.548G>A, p.Ser183Asn (NM_147200.3); short protein forms S174N, S183N.
Identifiers: ClinVar variation 567002 (VCV000567002.6), dbSNP rs1562433434, ClinGen allele CA365367139.
Genomic context (GRCh38, chr6:111,591,566, plus strand): 5'-GTTGGCAGATCCAGGCCTGCTCGGTTCCTGTGAGGCTGGGGCCGTTGCACCATCTCCTGG[C>T]TACCGCCCAAGGAGTCTGCTGAGGCATTAGGTAAACTTTGGTCTGATTTGTCTGAGTCAT-3'
Protein context (NP_679211.2, residues 164-184): PNASADSLGG[Ser174Asn]QEMVQRPQPH